The following is an entry in ClinVar:

ClinVar aggregate classification (germline): Uncertain significance. Review status: criteria provided, multiple submitters, no conflicts (2 of 4 stars). 4 submissions from 4 submitters: Uncertain significance (4). Last evaluated 2025-12-22.

Conditions:
Hereditary cancer-predisposing syndrome. Also called: Neoplastic Syndromes, Hereditary; Hereditary neoplastic syndrome; Tumor predisposition; Hereditary Cancer Syndrome. Identifiers: Orphanet 140162, MedGen C0027672, MeSH D009386, MONDO:0015356.

gnomAD v4.1: 2 of 1,612,246 alleles (0.00012%); highest among the groups gnomAD compares: Admixed American, 0.0033%; no homozygotes.

Submissions (4):

Ambry Genetics
Classification: Uncertain significance for Hereditary cancer-predisposing syndrome. Last evaluated: 2025-12-22. Review status: criteria provided, single submitter. Criteria: Ambry Variant Classification Scheme 2023. Collection method: clinical testing. Allele origin: germline.
Comment: The p.R1286L variant (also known as c.3857G>T), located in coding exon 31 of the POLE gene, results from a G to T substitution at nucleotide position 3857. The arginine at codon 1286 is replaced by leucine, an amino acid with dissimilar properties. This amino acid position is highly conserved in available vertebrate species. In addition, the in silico prediction for this alteration is inconclusive. Based on the available evidence, the clinical significance of this variant remains unclear.

Labcorp Genetics (formerly Invitae), Labcorp
Classification: Uncertain significance. Last evaluated: 2024-08-22. Review status: criteria provided, single submitter. Criteria: Invitae Variant Classification Sherloc (09022015). Collection method: clinical testing. Allele origin: germline.
Comment: This sequence change replaces arginine, which is basic and polar, with leucine, which is neutral and non-polar, at codon 1286 of the POLE protein (p.Arg1286Leu). The frequency data for this variant in the population databases is considered unreliable, as metrics indicate poor data quality at this position in the gnomAD database. This variant has not been reported in the literature in individuals affected with POLE-related conditions. ClinVar contains an entry for this variant (Variation ID: 560844). Invitae Evidence Modeling of protein sequence and biophysical properties (such as structural, functional, and spatial information, amino acid conservation, physicochemical variation, residue mobility, and thermodynamic stability) indicates that this missense variant is not expected to disrupt POLE protein function with a negative predictive value of 80%. In summary, the available evidence is currently insufficient to determine the role of this variant in disease. Therefore, it has been classified as a Variant of Uncertain Significance.

GeneDx
Classification: Uncertain significance. Last evaluated: 2020-01-21. Review status: criteria provided, single submitter. Criteria: GeneDx Variant Classification Process June 2021. Collection method: clinical testing. Allele origin: germline. Affected: yes.
Comment: In silico analysis, which includes protein predictors and evolutionary conservation, supports a deleterious effect; Has not been previously published as pathogenic or benign to our knowledge

PreventionGenetics, part of Exact Sciences
Classification: Uncertain significance. Last evaluated: 2017-05-31. Review status: criteria provided, single submitter. Criteria: ACMG Guidelines, 2015. Collection method: clinical testing. Allele origin: germline.

NM_006231.4(POLE):c.3857G>T (p.Arg1286Leu)

Gene: POLE (DNA polymerase epsilon, catalytic subunit; minus strand). Cytogenetic location: 12q24.33.
Variant type: single nucleotide variant.
Coding change: c.3857G>T on transcript NM_006231.4 (MANE Select); coding-DNA position 3857, G replaced by T.
Protein change: p.Arg1286Leu; replaces arginine 1286 with leucine.
Molecular consequence: missense variant.
Genome position (GRCh38, 1-based): chr12:132,649,454, C>A on the plus strand (G>T on the coding strand, the complement: POLE is on the minus strand). VCF-style: chr12-132649454-C-A. GRCh37 (hg19) VCF-style: chr12-133226040-C-A.
Other names: short protein forms R1286L.
Identifiers: ClinVar variation 560844 (VCV000560844.14), dbSNP rs771823596, ClinGen allele CA6893073.